The following is an entry in ClinVar:

ClinVar aggregate classification (germline): Uncertain significance (1 of 4 stars; one submission).

Conditions:
Fanconi anemia (FA). Also called: Fanconi's anemia. Identifiers: Orphanet 84, MedGen C0015625, MeSH D005199, MONDO:0019391.

Submission:

Labcorp Genetics (formerly Invitae), Labcorp
Classification: Uncertain significance for Fanconi anemia. Last evaluated: 2024-11-09. Review status: criteria provided, single submitter. Criteria: Invitae Variant Classification Sherloc (09022015). Collection method: clinical testing. Allele origin: germline.
Comment: This sequence change replaces leucine, which is neutral and non-polar, with proline, which is neutral and non-polar, at codon 263 of the FANCM protein (p.Leu263Pro). This variant is not present in population databases (gnomAD no frequency). This variant has not been reported in the literature in individuals affected with FANCM-related conditions. An algorithm developed to predict the effect of missense changes on protein structure and function (PolyPhen-2) suggests that this variant is likely to be disruptive. In summary, the available evidence is currently insufficient to determine the role of this variant in disease. Therefore, it has been classified as a Variant of Uncertain Significance.

NM_020937.4(FANCM):c.788T>C (p.Leu263Pro)

Gene: FANCM (FA complementation group M; plus strand). Cytogenetic location: 14q21.2.
Variant type: single nucleotide variant.
Coding change: c.788T>C on transcript NM_020937.4 (MANE Select); coding-DNA position 788, T replaced by C.
Protein change: p.Leu263Pro; replaces leucine 263 with proline.
Molecular consequence: missense variant.
Genome position (GRCh38, 1-based): chr14:45,148,865, T>C. VCF-style: chr14-45148865-T-C. GRCh37 (hg19) VCF-style: chr14-45618068-T-C.
Other names: c.710T>C, p.Leu237Pro (NM_001308133.2); c.788T>C, p.Leu263Pro (NM_001308134.2); short protein forms L237P, L263P.
Identifiers: ClinVar variation 3715176 (VCV003715176.2).